The following is an entry in ClinVar:

ClinVar aggregate classification (germline): Likely benign. Review status: criteria provided, single submitter (1 of 4 stars). 2 submissions from 2 submitters: Likely benign (1). 1 of the submissions does not count toward it. Last evaluated 2022-02-12.

Conditions:
POLQ-related disorder. Also called: POLQ-related condition.

Allele frequency attached by ClinVar (database versions not stated): gnomAD exomes 0.00013; ExAC 0.00016; ESP Exome Variant Server 0.00031; gnomAD 0.00043; 1000 Genomes Project 0.00060; TOPMed 0.00071; 1000 Genomes Project 30x 0.00078.
gnomAD v4.1: 268 of 1,607,510 alleles (0.017%); highest among the groups gnomAD compares: Admixed American, 0.097%; 1 homozygote.

Submissions (2):

Ambry Genetics
Classification: Likely benign. Last evaluated: 2022-02-12. Review status: criteria provided, single submitter. Criteria: Ambry Variant Classification Scheme 2023. Collection method: clinical testing. Allele origin: germline.

PreventionGenetics, part of Exact Sciences
Classification: Likely benign for POLQ-related condition. Last evaluated: 2019-03-21. Review status: no assertion criteria provided. Collection method: clinical testing. Allele origin: germline. Not counted in ClinVar's aggregate classification.
Comment: This variant is classified as likely benign based on ACMG/AMP sequence variant interpretation guidelines (Richards et al. 2015 PMID: 25741868, with internal and published modifications).

NM_199420.4(POLQ):c.5853C>T (p.Cys1951=)

Gene: POLQ (DNA polymerase theta; minus strand). Cytogenetic location: 3q13.33.
Variant type: single nucleotide variant.
Coding change: c.5853C>T on transcript NM_199420.4 (MANE Select); coding-DNA position 5853, C replaced by T.
Protein change: p.Cys1951=; no amino-acid change (cysteine 1951 retained).
Molecular consequence: synonymous variant.
Genome position (GRCh38, 1-based): chr3:121,483,503, G>A on the plus strand (C>T on the coding strand, the complement: POLQ is on the minus strand). VCF-style: chr3-121483503-G-A. GRCh37 (hg19) VCF-style: chr3-121202350-G-A.
Identifiers: ClinVar variation 1750083 (VCV001750083.4), dbSNP rs61756404, ClinGen allele CA2562622.
Genomic context (GRCh38, chr3:121,483,503, plus strand): 5'-ATAGCTCTGGATGAAGTCATAGATGACAACAGAACATTCTTTATCAGATTCCTTTCGCAA[G>A]CAAGATTGAAGGTACCACATCCTGTCTTTCAAAGTCAGGCTTGGATCTAAAGAAGGTGGA-3'
Protein context (NP_955452.3, residues 1941-1961): LKDRMWYLQS[Cys1951=]LRKESDKECS